The following is an entry in ClinVar:

ClinVar aggregate classification (germline): Benign (1 of 4 stars; one submission).

Conditions:
Rhizomelic chondrodysplasia punctata type 3 (RCDP3). Also called: Alkylglycerone Phosphate Synthase (AGPS) deficiency; ALKYLDIHYDROXYACETONEPHOSPHATE SYNTHASE DEFICIENCY. Identifiers: Orphanet 177, Orphanet 309803, MedGen C1838612, MONDO:0010823, OMIM 600121. Disease mechanism: loss of function.

Allele frequency attached by ClinVar (database versions not stated): gnomAD 0.00659 and 0.00706; TOPMed 0.00717; 1000 Genomes Project 30x 0.00734; 1000 Genomes Project 0.00759.
gnomAD v4.1: 982 of 151,184 alleles (0.65%); highest among the groups gnomAD compares: African/African-American, 2.3%; 9 homozygotes.

Submission:

Illumina Laboratory Services, Illumina
Classification: Benign for Rhizomelic chondrodysplasia punctata type 3. Last evaluated: 2018-01-12. Review status: criteria provided, single submitter. Criteria: ICSL Variant Classification Criteria 13 December 2019. Collection method: clinical testing. Allele origin: germline.
Comment: This variant was observed in the ICSL laboratory as part of a predisposition screen in an ostensibly healthy population. It had not been previously curated by ICSL or reported in the Human Gene Mutation Database (HGMD: prior to June 1st, 2018), and was therefore a candidate for classification through an automated scoring system. Utilizing variant allele frequency, disease prevalence and penetrance estimates, and inheritance mode, an automated score was calculated to assess if this variant is too frequent to cause the disease. Based on the score and internal cut-off values, a variant classified as benign is not then subjected to further curation. The score for this variant resulted in a classification of benign for this disease.

NM_003659.4(AGPS):c.*1719G>A

Gene: AGPS (alkylglycerone phosphate synthase; plus strand). Cytogenetic location: 2q31.2.
Variant type: single nucleotide variant.
Coding change: c.*1719G>A on transcript NM_003659.4 (MANE Select); 1719 bases downstream of the stop codon, G replaced by A.
Molecular consequence: 3 prime UTR variant.
Genome position (GRCh38, 1-based): chr2:177,539,914, G>A. VCF-style: chr2-177539914-G-A. GRCh37 (hg19) VCF-style: chr2-178404642-G-A.
Identifiers: ClinVar variation 893696 (VCV000893696.4), dbSNP rs182366015, ClinGen allele CA60904250.